The following is an entry in ClinVar:

NM_001112741.2(KCNC1):c.394G>A (p.Asp132Asn)

Gene: KCNC1 (potassium voltage-gated channel subfamily C member 1; plus strand). Cytogenetic location: 11p15.1.
Variant type: single nucleotide variant.
Coding change: c.394G>A on transcript NM_001112741.2 (MANE Select); coding-DNA position 394, G replaced by A.
Protein change: p.Asp132Asn; replaces aspartic acid 132 with asparagine.
Molecular consequence: missense variant.
Genome position (GRCh38, 1-based): chr11:17,736,396, G>A. VCF-style: chr11-17736396-G-A. GRCh37 (hg19) VCF-style: chr11-17757943-G-A.
Other names: c.394G>A, p.Asp132Asn (NM_004976.4); short protein forms D132N.
Identifiers: ClinVar variation 570244 (VCV000570244.10), dbSNP rs770445113, ClinGen allele CA5906665.

ClinVar aggregate classification (germline): Uncertain significance. Review status: criteria provided, multiple submitters, no conflicts (2 of 4 stars). 2 submissions from 2 submitters: Uncertain significance (2). Last evaluated 2025-12-01.

Conditions:
Progressive myoclonic epilepsy type 7. Identifiers: Orphanet 435438, MedGen C4015420, MONDO:0014521, OMIM 616187.
KCNC1-related disorder. Also called: KCNC1-related condition; KCNC1-Related Disorders. Identifiers: MedGen CN381541.

Allele frequency attached by ClinVar (database versions not stated): gnomAD exomes below 0.00001; ExAC 0.00001; gnomAD 0.00001; TOPMed 0.00002.
gnomAD v4.1: 7 of 1,609,572 alleles (0.00043%); highest among the groups gnomAD compares: Non-Finnish European, 0.00059%; no homozygotes.

Submissions (2):

Labcorp Genetics (formerly Invitae), Labcorp
Classification: Uncertain significance for Progressive myoclonic epilepsy type 7. Last evaluated: 2025-12-01. Review status: criteria provided, single submitter. Criteria: Invitae Variant Classification Sherloc (09022015). Collection method: clinical testing. Allele origin: germline.
Comment: This sequence change replaces aspartic acid, which is acidic and polar, with asparagine, which is neutral and polar, at codon 132 of the KCNC1 protein (p.Asp132Asn). This variant is present in population databases (rs770445113, gnomAD 0.001%). This variant has not been reported in the literature in individuals affected with KCNC1-related conditions. ClinVar contains an entry for this variant (Variation ID: 570244). Invitae Evidence Modeling of protein sequence and biophysical properties (such as structural, functional, and spatial information, amino acid conservation, physicochemical variation, residue mobility, and thermodynamic stability) indicates that this missense variant is not expected to disrupt KCNC1 protein function with a negative predictive value of 95%. In summary, the available evidence is currently insufficient to determine the role of this variant in disease. Therefore, it has been classified as a Variant of Uncertain Significance.

PreventionGenetics, part of Exact Sciences
Classification: Uncertain significance for KCNC1-related condition. Last evaluated: 2025-05-02. Review status: criteria provided, single submitter. Criteria: ACMG Guidelines, 2015. Collection method: clinical testing. Allele origin: germline.
Comment: The KCNC1 c.394G>A variant is predicted to result in the amino acid substitution p.Asp132Asn. To our knowledge, this variant has not been reported in the literature. This variant is reported in 0.00097% of alleles in individuals of European (Non-Finnish) descent in gnomAD. At this time, the clinical significance of this variant is uncertain due to the absence of conclusive functional and genetic evidence.